The following is an entry in ClinVar:

NM_001079872.2(CUL4B):c.197C>T (p.Ser66Phe)

Genes: CUL4B (cullin 4B; minus strand), LOC113845788 (Sharpr-MPRA regulatory region 11856; plus strand). Cytogenetic location: Xq24.
Variant type: single nucleotide variant.
Coding change: c.197C>T on transcript NM_001079872.2 (MANE Select); coding-DNA position 197, C replaced by T.
Protein change: p.Ser66Phe; replaces serine 66 with phenylalanine.
Molecular consequence: missense variant.
Genome position (GRCh38, 1-based): chrX:120,560,442, G>A on the plus strand (C>T on the coding strand, the complement: CUL4B is on the minus strand). VCF-style: chrX-120560442-G-A. GRCh37 (hg19) VCF-style: chrX-119694297-G-A.
Other names: c.212C>T, p.Ser71Phe (NM_001330624.2); c.251C>T, p.Ser84Phe (NM_003588.4); short protein forms S84F, S66F, S71F.
Identifiers: ClinVar variation 4781705 (VCV004781705.1).
Genomic context (GRCh38, chrX:120,560,442, plus strand): 5'-CCCAGGCAGAAGGACGAGGTTGAAGGGGATGCCGAATCCCTGGGTTGTAAAGGAGGAGTG[G>A]AAGAGGAGGAAGAGGTGGAATCAAAGTCTTCTCTCTCGTTACTACTGTTACTGCTGCTAC-3'
Protein context (NP_001073341.1, residues 56-76): EDFDSTSSSS[Ser66Phe]TPPLQPRDSA

ClinVar aggregate classification (germline): Uncertain significance (1 of 4 stars; one submission).

Conditions:
X-linked intellectual disability Cabezas type (MRXSC). Also called: CABEZAS SYNDROME; MENTAL RETARDATION, X-LINKED, SYNDROMIC 15; Intellectual developmental disorder, X-linked syndromic, Cabezas type. Identifiers: Orphanet 85289, Orphanet 85293, MedGen C1845861, MONDO:0010306, OMIM 300354.

gnomAD v4.1: 3 of 1,208,986 alleles (0.00025%); highest among the groups gnomAD compares: African/African-American, 0.0017%; no homozygotes.

Submission:

Labcorp Genetics (formerly Invitae), Labcorp
Classification: Uncertain significance for X-linked intellectual disability Cabezas type. Last evaluated: 2025-06-03. Review status: criteria provided, single submitter. Criteria: Invitae Variant Classification Sherloc (09022015). Collection method: clinical testing. Allele origin: germline.
Comment: This sequence change replaces serine, which is neutral and polar, with phenylalanine, which is neutral and non-polar, at codon 84 of the CUL4B protein (p.Ser84Phe). This variant is not present in population databases (gnomAD no frequency). This variant has not been reported in the literature in individuals affected with CUL4B-related conditions. Invitae Evidence Modeling of protein sequence and biophysical properties (such as structural, functional, and spatial information, amino acid conservation, physicochemical variation, residue mobility, and thermodynamic stability) indicates that this missense variant is expected to disrupt CUL4B protein function with a positive predictive value of 95%. In summary, the available evidence is currently insufficient to determine the role of this variant in disease. Therefore, it has been classified as a Variant of Uncertain Significance.